The following is an entry in ClinVar:

NM_001009944.3(PKD1):c.8603C>G (p.Ser2868Ter)

Gene: PKD1 (polycystin 1, transient receptor potential channel interacting; minus strand). Cytogenetic location: 16p13.3.
Variant type: single nucleotide variant.
Coding change: c.8603C>G on transcript NM_001009944.3 (MANE Select); coding-DNA position 8603, C replaced by G.
Protein change: p.Ser2868Ter; replaces serine 2868 with a stop codon.
Molecular consequence: nonsense.
Genome position (GRCh38, 1-based): chr16:2,103,454, G>C on the plus strand (C>G on the coding strand, the complement: PKD1 is on the minus strand). VCF-style: chr16-2103454-G-C. GRCh37 (hg19) VCF-style: chr16-2153455-G-C.
Other names: c.8603C>G, p.Ser2868Ter (NM_000296.4); short protein forms S2868*.
Identifiers: ClinVar variation 3068662 (VCV003068662.3), dbSNP rs901163374, ClinGen allele CA394362673.

ClinVar aggregate classification (germline): Conflicting classifications of pathogenicity. Review status: criteria provided, conflicting classifications (1 of 4 stars). 3 submissions from 3 submitters: Pathogenic (2); Uncertain significance (1). Last evaluated 2023-03-30.

Conditions:
PKD1-related disorder. Also called: PKD1-related condition.
Autosomal dominant polycystic kidney disease. Identifiers: Orphanet 730, MedGen C0085413, MONDO:0004691.
Polycystic kidney disease, adult type (PKD1). Also called: POLYCYSTIC KIDNEY DISEASE, ADULT, TYPE I; Polycystic Kidney Disease 1, Autosomal Dominant; Polycystic kidney disease 1; Polycystic kidney disease 1, severe; Polycystic Kidney, Autosomal Dominant; POLYCYSTIC KIDNEY DISEASE 1 WITH OR WITHOUT POLYCYSTIC LIVER DISEASE. Identifiers: MedGen C3149841, MONDO:0008263, OMIM 173900.

Submissions (3):

Molecular Genetics, Royal Melbourne Hospital
Classification: Pathogenic for Autosomal dominant polycystic kidney disease. Last evaluated: 2023-03-30. Review status: criteria provided, single submitter. Criteria: ACMG Guidelines, 2015. Collection method: clinical testing. Allele origin: germline. Affected: yes.
Comment: This sequence change in PKD1 is a nonsense variant predicted to cause a premature stop codon, p.(Ser2868*), in biologically relevant exon 23/46 leading to nonsense-mediated decay in a gene in which loss-of-function is an established disease mechanism. This variant is absent from the population database gnomAD v2.1 and v3.1. This variant has been reported in at least one family with a clinical diagnosis of autosomal dominant polycystic kidney disease (PMID: 22508176). Based on the classification scheme RMH Modified ACMG Guidelines v1.5.1, this variant is classified as PATHOGENIC. Following criteria are met: PVS1, PS4_Supporting, PM2_Supporting.

Blueprint Genetics
Classification: Pathogenic for PKD1-related disorders. Last evaluated: 2021-08-26. Review status: criteria provided, single submitter. Criteria: ACMG Guidelines, 2015. Collection method: clinical testing. Allele origin: germline. Affected: yes. Observed: 1 variant allele.

Prabudh Goel Research Team, All India Institute Medical Sciences, New Delhi
Classification: Uncertain significance for Polycystic kidney disease, adult type. Review status: criteria provided, single submitter. Criteria: ACMG Guidelines, 2015. Collection method: research. Allele origin: unknown. Inheritance: Autosomal dominant inheritance. Affected: yes.

Literature cited by the submitters: PubMed 22508176 (cited by Molecular Genetics, Royal Melbourne Hospital).